The following is an entry in ClinVar:

ClinVar aggregate classification (germline): Likely benign. Review status: criteria provided, multiple submitters, no conflicts (2 of 4 stars). 2 submissions from 2 submitters: Likely benign (2). Last evaluated 2026-06-01.

Conditions:
LAMB2-related infantile-onset nephrotic syndrome. Also called: NEPHROTIC SYNDROME, TYPE 5, WITHOUT OCULAR ABNORMALITIES; NEPHROTIC SYNDROME, TYPE 5, WITH OCULAR ABNORMALITIES; Nephrotic Syndrome, type 5. Identifiers: Orphanet 306507, MedGen C3280113, MONDO:0013621, OMIM 614199.
Pierson syndrome. Also called: MICROCORIA-CONGENITAL NEPHROTIC SYNDROME. Identifiers: Orphanet 2670, MedGen C1836876, MONDO:0012184, OMIM 609049.

Allele frequency attached by ClinVar (database versions not stated): gnomAD exomes 0.00001; TOPMed 0.00001.

Submissions (2):

CeGaT Center for Human Genetics Tuebingen
Classification: Likely benign. Last evaluated: 2026-06-01. Review status: criteria provided, single submitter. Criteria: CeGaT Center For Human Genetics Tuebingen Variant Classification Criteria Version 2. Collection method: clinical testing. Allele origin: germline. Affected: yes. Observed: 1 variant allele.
Comment: LAMB2: BP4, BP7

Labcorp Genetics (formerly Invitae), Labcorp
Classification: Likely benign for LAMB2-related infantile-onset nephrotic syndrome; Pierson syndrome. Last evaluated: 2025-06-27. Review status: criteria provided, single submitter. Criteria: Invitae Variant Classification Sherloc (09022015). Collection method: clinical testing. Allele origin: germline.

NM_002292.4(LAMB2):c.4722A>G (p.Ala1574=)

Gene: LAMB2 (laminin subunit beta 2; minus strand). Cytogenetic location: 3p21.31.
Variant type: single nucleotide variant.
Coding change: c.4722A>G on transcript NM_002292.4 (MANE Select); coding-DNA position 4722, A replaced by G.
Protein change: p.Ala1574=; no amino-acid change (alanine 1574 retained).
Molecular consequence: synonymous variant.
Genome position (GRCh38, 1-based): chr3:49,122,222, T>C on the plus strand (A>G on the coding strand, the complement: LAMB2 is on the minus strand). VCF-style: chr3-49122222-T-C. GRCh37 (hg19) VCF-style: chr3-49159655-T-C.
Identifiers: ClinVar variation 745809 (VCV000745809.10), dbSNP rs371619654, ClinGen allele CA74475737.